The following is an entry in ClinVar:

ClinVar aggregate classification (germline): Pathogenic (1 of 4 stars; one submission).

Conditions:
Familial adenomatous polyposis 1 (FAP1). Also called: POLYPOSIS, ADENOMATOUS INTESTINAL; FAMILIAL ADENOMATOUS POLYPOSIS 1, ATTENUATED. Identifiers: MedGen C2713442, MONDO:0021056, OMIM 175100. Disease mechanism: loss of function.

Submission:

Labcorp Genetics (formerly Invitae), Labcorp
Classification: Pathogenic for Familial adenomatous polyposis 1. Last evaluated: 2023-01-19. Review status: criteria provided, single submitter. Criteria: Invitae Variant Classification Sherloc (09022015). Collection method: clinical testing. Allele origin: germline.
Comment: This variant disrupts a region of the APC protein in which other variant(s) (p.Tyr2645Lysfs*14) have been determined to be pathogenic (PMID: 1316610, 8381579, 9824584, 22135120, 27081525; Invitae). This suggests that this is a clinically significant region of the protein, and that variants that disrupt it are likely to be disease-causing. For these reasons, this variant has been classified as Pathogenic. This variant has not been reported in the literature in individuals affected with APC-related conditions. This variant is not present in population databases (gnomAD no frequency). This sequence change creates a premature translational stop signal (p.Glu1985*) in the APC gene. While this is not anticipated to result in nonsense mediated decay, it is expected to disrupt the last 859 amino acid(s) of the APC protein.

Literature cited by the submitters: PubMed 1316610; PubMed 8381579; PubMed 9824584; PubMed 22135120; PubMed 27081525.

NM_000038.6(APC):c.5953G>T (p.Glu1985Ter)

Gene: APC (APC regulator of Wnt signaling pathway; plus strand). Cytogenetic location: 5q22.2.
Variant type: single nucleotide variant.
Coding change: c.5953G>T on transcript NM_000038.6 (MANE Select); coding-DNA position 5953, G replaced by T.
Protein change: p.Glu1985Ter; replaces glutamic acid 1985 with a stop codon.
Molecular consequence: nonsense.
Genome position (GRCh38, 1-based): chr5:112,841,547, G>T. VCF-style: chr5-112841547-G-T. GRCh37 (hg19) VCF-style: chr5-112177244-G-T.
Other names: c.5953G>T, p.Glu1985Ter (NM_001127510.3, NM_001354895.2, NM_001407450.1); c.5899G>T, p.Glu1967Ter (NM_001127511.3); c.6007G>T, p.Glu2003Ter (NM_001354896.2, NM_001407447.1, NM_001407448.1 and 1 more transcripts); c.5983G>T, p.Glu1995Ter (NM_001354897.2); c.5878G>T, p.Glu1960Ter (NM_001354898.2); c.5869G>T, p.Glu1957Ter (NM_001354899.2); c.5830G>T, p.Glu1944Ter (NM_001354900.2); c.5776G>T, p.Glu1926Ter (NM_001354901.2, NM_001407453.1); and 11 more; short protein forms E1702*, E1894*, E1960*, E2003*, E2013*, E1825*, E1859*, E1978*.
Identifiers: ClinVar variation 2134377 (VCV002134377.4), dbSNP rs1561604028, ClinGen allele CA16034365.